The following is an entry in ClinVar:

NM_001267550.2(TTN):c.95152A>C (p.Ser31718Arg)

Genes: TTN-AS1 (TTN antisense RNA 1; plus strand), TTN (titin; minus strand). Cytogenetic location: 2q31.2.
Variant type: single nucleotide variant.
Coding change: c.95152A>C on transcript NM_001267550.2 (MANE Select); coding-DNA position 95152, A replaced by C.
Protein change: p.Ser31718Arg; replaces serine 31718 with arginine.
Molecular consequence: missense variant.
Genome position (GRCh38, 1-based): chr2:178,546,084, T>G on the plus strand (A>C on the coding strand, the complement: TTN is on the minus strand). VCF-style: chr2-178546084-T-G. GRCh37 (hg19) VCF-style: chr2-179410811-T-G.
Other names: c.90229A>C, p.Ser30077Arg (NM_001256850.1); c.67957A>C, p.Ser22653Arg (NM_003319.4); c.87448A>C, p.Ser29150Arg (NM_133378.4); c.68332A>C, p.Ser22778Arg (NM_133432.3); c.68533A>C, p.Ser22845Arg (NM_133437.4); short protein forms S22653R, S30077R, S22778R, S22845R, S29150R, S31718R.
Identifiers: ClinVar variation 1449904 (VCV001449904.6), dbSNP rs781462223, ClinGen allele CA1986998.

ClinVar aggregate classification (germline): Uncertain significance (1 of 4 stars; one submission).

Conditions:
Dilated cardiomyopathy 1G (CMD1G). Identifiers: Orphanet 154, MedGen C1858763, MONDO:0011400, OMIM 604145.
Autosomal recessive limb-girdle muscular dystrophy type 2J (LGMDR10). Also called: MUSCULAR DYSTROPHY, LIMB-GIRDLE, AUTOSOMAL RECESSIVE 10; Limb-girdle muscular dystrophy, type 2J. Identifiers: Orphanet 140922, MedGen C1837342, MONDO:0012127, OMIM 608807.

Allele frequency attached by ClinVar (database versions not stated): gnomAD exomes below 0.00001; ExAC 0.00001.

Submission:

Labcorp Genetics (formerly Invitae), Labcorp
Classification: Uncertain significance for Dilated cardiomyopathy 1G; Autosomal recessive limb-girdle muscular dystrophy type 2J. Last evaluated: 2023-11-27. Review status: criteria provided, single submitter. Criteria: Invitae Variant Classification Sherloc (09022015). Collection method: clinical testing. Allele origin: germline.
Comment: This sequence change replaces serine, which is neutral and polar, with arginine, which is basic and polar, at codon 31718 of the TTN protein (p.Ser31718Arg). This variant is present in population databases (rs781462223, gnomAD 0.0009%). This variant has not been reported in the literature in individuals affected with TTN-related conditions. ClinVar contains an entry for this variant (Variation ID: 1449904). Experimental studies and prediction algorithms are not available or were not evaluated, and the functional significance of this variant is currently unknown. This variant is located in the A band of TTN (PMID: 25589632). Variants in this region may be relevant for cardiac or neuromuscular disorders (PMID: 25589632, 23975875). In summary, the available evidence is currently insufficient to determine the role of this variant in disease. Therefore, it has been classified as a Variant of Uncertain Significance.

Literature cited by the submitters: PubMed 25589632; PubMed 23975875.